The following is an entry in ClinVar:

ClinVar aggregate classification (germline): Uncertain significance. Review status: criteria provided, multiple submitters, no conflicts (2 of 4 stars). 2 submissions from 2 submitters: Uncertain significance (2). Last evaluated 2025-04-08.

Conditions:
Inborn genetic diseases. Identifiers: MedGen C0950123, MeSH D030342.

Allele frequency attached by ClinVar (database versions not stated): gnomAD exomes below 0.00001; ExAC 0.00001.
gnomAD v4.1: 2 of 1,612,024 alleles (0.00012%); highest among the groups gnomAD compares: Non-Finnish European, 0.00017%; no homozygotes.

Submissions (2):

Labcorp Genetics (formerly Invitae), Labcorp
Classification: Uncertain significance. Last evaluated: 2025-04-08. Review status: criteria provided, single submitter. Criteria: Invitae Variant Classification Sherloc (09022015). Collection method: clinical testing. Allele origin: germline.
Comment: This sequence change replaces tyrosine, which is neutral and polar, with histidine, which is basic and polar, at codon 326 of the LRIT3 protein (p.Tyr326His). This variant is present in population databases (rs766599778, gnomAD 0.0009%). This variant has not been reported in the literature in individuals affected with LRIT3-related conditions. ClinVar contains an entry for this variant (Variation ID: 1063433). An algorithm developed to predict the effect of missense changes on protein structure and function (PolyPhen-2) suggests that this variant is likely to be disruptive. In summary, the available evidence is currently insufficient to determine the role of this variant in disease. Therefore, it has been classified as a Variant of Uncertain Significance.

Ambry Genetics
Classification: Uncertain significance for Inborn genetic diseases. Last evaluated: 2022-05-31. Review status: criteria provided, single submitter. Criteria: Ambry Variant Classification Scheme 2023. Collection method: clinical testing. Allele origin: germline.

NM_198506.5(LRIT3):c.976T>C (p.Tyr326His)

Gene: LRIT3 (leucine rich repeat, Ig-like and transmembrane domains 3; plus strand). Cytogenetic location: 4q25.
Variant type: single nucleotide variant.
Coding change: c.976T>C on transcript NM_198506.5 (MANE Select); coding-DNA position 976, T replaced by C.
Protein change: p.Tyr326His; replaces tyrosine 326 with histidine.
Molecular consequence: missense variant.
Genome position (GRCh38, 1-based): chr4:109,869,725, T>C. VCF-style: chr4-109869725-T-C. GRCh37 (hg19) VCF-style: chr4-110790881-T-C.
Other names: c.841T>C (NM_198506.2); short protein forms Y326H.
Identifiers: ClinVar variation 1063433 (VCV001063433.7), dbSNP rs766599778, ClinGen allele CA3043108.
Genomic context (GRCh38, chr4:109,869,725, plus strand): 5'-GAAGGAGTCAGATGGTCCATAATGAGCTTGACAGGCATTTCTTCCAAAGACGCTGGGGAT[T>C]ACAAATGTAAGGCCAAAAATCTGGCTGGGATGTCAGAAGCTGTGGTTACTGTGACAGTGC-3'
Protein context (NP_940908.3, residues 316-336): TGISSKDAGD[Tyr326His]KCKAKNLAGM